The following is an entry in ClinVar:

ClinVar aggregate classification (germline): Uncertain significance (1 of 4 stars; one submission).

Conditions:
Anauxetic dysplasia. Identifiers: Orphanet 93347, MedGen C1846796, MONDO:0011773.

gnomAD v4.1: 4 of 699,954 alleles (0.00057%); highest among the groups gnomAD compares: South Asian, 0.0015%; no homozygotes.

Submission:

Labcorp Genetics (formerly Invitae), Labcorp
Classification: Uncertain significance for Anauxetic dysplasia. Last evaluated: 2024-05-08. Review status: criteria provided, single submitter. Criteria: Invitae Variant Classification Sherloc (09022015). Collection method: clinical testing. Allele origin: germline.
Comment: This variant occurs in the RMRP gene, which encodes an RNA molecule that does not result in a protein product. This variant is present in population databases (no rsID available, gnomAD 0.002%). This variant has not been reported in the literature in individuals affected with RMRP-related conditions. ClinVar contains an entry for this variant (Variation ID: 1469466). This variant disrupts the n.219A nucleotide in the RMRP gene. Other variant(s) that disrupt this nucleotide have been determined to be pathogenic (PMID: 14608646, 15780958, 17937437). This suggests that this nucleotide is clinically significant, and that variants that disrupt this position are likely to be disease-causing. In summary, the available evidence is currently insufficient to determine the role of this variant in disease. Therefore, it has been classified as a Variant of Uncertain Significance.

Literature cited by the submitters: PubMed 14608646; PubMed 15780958; PubMed 17937437.

NC_000009.12:g.35657800T>G

Gene: RMRP (RNA component of mitochondrial RNA processing endoribonuclease; minus strand). Cytogenetic location: 9p13.3.
Variant type: single nucleotide variant.
Genome position: GRCh38 VCF-style: chr9-35657800-T-G. GRCh37 (hg19) VCF-style: chr9-35657797-T-G.
Identifiers: ClinVar variation 1469466 (VCV001469466.4), dbSNP rs936059863, ClinGen allele CA464450479.